The following is an entry in ClinVar:

NM_000245.4(MET):c.2974A>G (p.Thr992Ala)

Gene: MET (MET proto-oncogene, receptor tyrosine kinase; plus strand). Cytogenetic location: 7q31.2.
Variant type: single nucleotide variant.
Coding change: c.2974A>G on transcript NM_000245.4 (MANE Select); coding-DNA position 2974, A replaced by G.
Protein change: p.Thr992Ala; replaces threonine 992 with alanine.
Molecular consequence: missense variant.
Genome position (GRCh38, 1-based): chr7:116,771,935, A>G. VCF-style: chr7-116771935-A-G. GRCh37 (hg19) VCF-style: chr7-116411989-A-G.
Other names: c.3028A>G (LRG_662t1); c.3028A>G, p.Thr1010Ala (NM_001127500.3); c.1684A>G, p.Thr562Ala (NM_001324402.2); short protein forms T1010A, T562A, T992A.
Identifiers: ClinVar variation 411908 (VCV000411908.18), dbSNP rs774433287, ClinGen allele CA4448620.

ClinVar aggregate classification (germline): Conflicting classifications of pathogenicity. Review status: criteria provided, conflicting classifications (1 of 4 stars). 5 submissions from 5 submitters: Uncertain significance (4); Likely benign (1). Last evaluated 2026-03-20.

Conditions:
Hereditary cancer-predisposing syndrome. Also called: Hereditary Cancer Syndrome; Tumor predisposition; Hereditary neoplastic syndrome; Neoplastic Syndromes, Hereditary. Identifiers: Orphanet 140162, MedGen C0027672, MeSH D009386, MONDO:0015356.
Renal cell carcinoma. Identifiers: Orphanet 217071, MedGen C0007134, MeSH D002292, MONDO:0005086, HP:0005584.
Papillary renal cell carcinoma type 1 (RCCP1). Also called: Renal adenocarcinoma; Renal cell carcinoma 1; Renal cell carcinoma, somatic; RENAL CELL CARCINOMA, PAPILLARY, 1, SOMATIC. Identifiers: Orphanet 47044, MedGen C1336839, OMIM 605074, HP:0011797.

Allele frequency attached by ClinVar (database versions not stated): gnomAD 0.00001; TOPMed 0.00001; gnomAD exomes 0.00002; ExAC 0.00002.
gnomAD v4.1: 14 of 1,613,828 alleles (0.00087%); highest among the groups gnomAD compares: South Asian, 0.0011%; no homozygotes.

Submissions (5):

Ambry Genetics
Classification: Likely benign for Hereditary cancer-predisposing syndrome. Last evaluated: 2026-03-20. Review status: criteria provided, single submitter. Criteria: Ambry Variant Classification Scheme 2023. Collection method: clinical testing. Allele origin: germline.

Labcorp Genetics (formerly Invitae), Labcorp
Classification: Uncertain significance for Renal cell carcinoma. Last evaluated: 2025-09-20. Review status: criteria provided, single submitter. Criteria: Invitae Variant Classification Sherloc (09022015). Collection method: clinical testing. Allele origin: germline.
Comment: This sequence change replaces threonine, which is neutral and polar, with alanine, which is neutral and non-polar, at codon 1010 of the MET protein (p.Thr1010Ala). This variant is present in population databases (rs774433287, gnomAD 0.009%). This missense change has been observed in individual(s) with lung cancer (PMID: 15592501). This variant is also known as p.Thr992Ala (T992A). ClinVar contains an entry for this variant (Variation ID: 411908). Invitae Evidence Modeling of protein sequence and biophysical properties (such as structural, functional, and spatial information, amino acid conservation, physicochemical variation, residue mobility, and thermodynamic stability) indicates that this missense variant is not expected to disrupt MET protein function with a negative predictive value of 80%. In summary, the available evidence is currently insufficient to determine the role of this variant in disease. Therefore, it has been classified as a Variant of Uncertain Significance.

Quest Diagnostics Nichols Institute San Juan Capistrano
Classification: Uncertain significance. Last evaluated: 2025-09-12. Review status: criteria provided, single submitter. Criteria: Quest Diagnostics criteria. Collection method: clinical testing. Allele origin: unknown.

GeneDx
Classification: Uncertain significance. Last evaluated: 2024-09-11. Review status: criteria provided, single submitter. Criteria: GeneDx Variant Classification Process June 2021. Collection method: clinical testing. Allele origin: germline. Affected: yes.
Comment: In silico analysis indicates that this missense variant does not alter protein structure/function; Observed in an individual with lung cancer (PMID: 15592501); This variant is associated with the following publications: (PMID: 25625332, 20368753, 15592501)

St. Jude Molecular Pathology, St. Jude Children's Research Hospital
Classification: Uncertain significance for Papillary renal cell carcinoma type 1. Last evaluated: 2022-10-06. Review status: criteria provided, single submitter. Criteria: St. Jude Assertion Criteria 2020. Collection method: clinical testing. Allele origin: germline.
Comment: The MET c.3028A>G (p.Thr1010Ala)  missense change has a maximum frequency of 0.0093% in gnomAD v2.1.1. The in silico tool REVEL is inconclusive about a pathogenic or benign effect of this variant on protein function, and to our knowledge functional studies have not been performed. To our knowledge, this variant has not been reported in individuals with hereditary papillary renal cell carcinoma. In summary, the evidence currently available is insufficient to determine the clinical significance of this variant. It has therefore been classified as of uncertain significance.

Literature cited by the submitters: PubMed 15592501 (cited by Ambry Genetics and Labcorp Genetics (formerly Invitae), Labcorp); PubMed 28476232 (cited by Ambry Genetics).